The following is an entry in ClinVar:

NM_001364905.1(LRBA):c.8122G>T (p.Gly2708Ter)

Gene: LRBA (LPS responsive beige-like anchor protein; minus strand). Cytogenetic location: 4q31.3.
Variant type: single nucleotide variant.
Coding change: c.8122G>T on transcript NM_001364905.1 (MANE Select); coding-DNA position 8122, G replaced by T.
Protein change: p.Gly2708Ter; replaces glycine 2708 with a stop codon.
Molecular consequence: nonsense.
Genome position (GRCh38, 1-based): chr4:150,282,644, C>A on the plus strand (G>T on the coding strand, the complement: LRBA is on the minus strand). VCF-style: chr4-150282644-C-A. GRCh37 (hg19) VCF-style: chr4-151203796-C-A.
Other names: c.8119G>T, p.Gly2707Ter (NM_001199282.3); c.8137G>T, p.Gly2713Ter (NM_001367550.1, NM_001440431.1); c.8170G>T, p.Gly2724Ter (NM_001440430.1); c.1840G>T, p.Gly614Ter (NM_001440432.1); c.1834G>T, p.Gly612Ter (NM_001440433.1); c.8155G>T, p.Gly2719Ter (NM_006726.5); short protein forms G614*, G2708*, G2707*, G2713*, G2719*, G2724*, G612*.
Identifiers: ClinVar variation 4704341 (VCV004704341.1).

ClinVar aggregate classification (germline): Pathogenic (1 of 4 stars; one submission).

Conditions:
Combined immunodeficiency due to LRBA deficiency. Also called: Common variable immunodeficiency 8, with autoimmunity. Identifiers: Orphanet 445018, MedGen C3553512, MONDO:0013863, OMIM 614700.

gnomAD v4.1: 1 of 1,593,862 alleles (0.000063%); highest among the groups gnomAD compares: Non-Finnish European, 0.000086%; no homozygotes.

Submission:

Labcorp Genetics (formerly Invitae), Labcorp
Classification: Pathogenic for Combined immunodeficiency due to LRBA deficiency. Last evaluated: 2025-10-09. Review status: criteria provided, single submitter. Criteria: Invitae Variant Classification Sherloc (09022015). Collection method: clinical testing. Allele origin: germline.
Comment: This sequence change creates a premature translational stop signal (p.Gly2719*) in the LRBA gene. It is expected to result in an absent or disrupted protein product. Loss-of-function variants in LRBA are known to be pathogenic (PMID: 26206937, 26768763). This variant is not present in population databases (gnomAD no frequency). This variant has not been reported in the literature in individuals affected with LRBA-related conditions. For these reasons, this variant has been classified as Pathogenic.

Literature cited by the submitters: PubMed 26206937; PubMed 26768763.